The following is an entry in ClinVar:

ClinVar aggregate classification (germline): Uncertain significance (1 of 4 stars; one submission).

Conditions:
Duchenne muscular dystrophy (DMD). Also called: MUSCULAR DYSTROPHY, PSEUDOHYPERTROPHIC PROGRESSIVE, DUCHENNE TYPE; Duchenne Muscular Dystrophy (DMD). Identifiers: Orphanet 98896, MedGen C0013264, MONDO:0010679, OMIM 310200.

Allele frequency attached by ClinVar (database versions not stated): gnomAD 0.00001; TOPMed 0.00001.
gnomAD v4.1: 1 of 1,204,388 alleles (0.000083%); highest among the groups gnomAD compares: Non-Finnish European, 0.00011%; no homozygotes.

Submission:

Labcorp Genetics (formerly Invitae), Labcorp
Classification: Uncertain significance for Duchenne muscular dystrophy. Last evaluated: 2022-03-23. Review status: criteria provided, single submitter. Criteria: Invitae Variant Classification Sherloc (09022015). Collection method: clinical testing. Allele origin: germline.
Comment: This sequence change replaces proline, which is neutral and non-polar, with serine, which is neutral and polar, at codon 3547 of the DMD protein (p.Pro3547Ser). This variant is not present in population databases (gnomAD no frequency). This variant has not been reported in the literature in individuals affected with DMD-related conditions. Algorithms developed to predict the effect of missense changes on protein structure and function are either unavailable or do not agree on the potential impact of this missense change (SIFT: "Tolerated"; PolyPhen-2: "Possibly Damaging"; Align-GVGD: "Class C0"). In summary, the available evidence is currently insufficient to determine the role of this variant in disease. Therefore, it has been classified as a Variant of Uncertain Significance.

NM_004006.3(DMD):c.10639C>T (p.Pro3547Ser)

Gene: DMD (dystrophin; minus strand). Cytogenetic location: Xp21.2.
Variant type: single nucleotide variant.
Coding change: c.10639C>T on transcript NM_004006.3 (MANE Select); coding-DNA position 10639, C replaced by T.
Protein change: p.Pro3547Ser; replaces proline 3547 with serine.
Molecular consequence: missense variant.
Genome position (GRCh38, 1-based): chrX:31,147,433, G>A on the plus strand (C>T on the coding strand, the complement: DMD is on the minus strand). VCF-style: chrX-31147433-G-A. GRCh37 (hg19) VCF-style: chrX-31165550-G-A.
Other names: c.10615C>T, p.Pro3539Ser (NM_000109.4); c.10627C>T, p.Pro3543Ser (NM_004009.3); c.10270C>T, p.Pro3424Ser (NM_004010.3); c.6616C>T, p.Pro2206Ser (NM_004011.4); c.6607C>T, p.Pro2203Ser (NM_004012.4); c.3259C>T, p.Pro1087Ser (NM_004013.3, NM_004021.3); c.2452C>T, p.Pro818Ser (NM_004014.3); c.1435C>T, p.Pro479Ser (NM_004015.3, NM_004016.3); and 3 more; short protein forms P3539S, P466S, P1074S, P2203S, P1087S, P3424S, P3547S, P818S.
Identifiers: ClinVar variation 1986888 (VCV001986888.1), dbSNP rs756033149, ClinGen allele CA412649329.